The following is an entry in ClinVar:

ClinVar aggregate classification (germline): Uncertain significance (1 of 4 stars; one submission).

Allele frequency attached by ClinVar (database versions not stated): gnomAD exomes below 0.00001.
gnomAD v4.1: 2 of 1,554,208 alleles (0.00013%); highest among the groups gnomAD compares: East Asian, 0.0024%; no homozygotes.

Submission:

Labcorp Genetics (formerly Invitae), Labcorp
Classification: Uncertain significance. Last evaluated: 2022-06-13. Review status: criteria provided, single submitter. Criteria: Invitae Variant Classification Sherloc (09022015). Collection method: clinical testing. Allele origin: germline.
Comment: This sequence change replaces proline, which is neutral and non-polar, with leucine, which is neutral and non-polar, at codon 335 of the PRPF31 protein (p.Pro335Leu). In summary, the available evidence is currently insufficient to determine the role of this variant in disease. Therefore, it has been classified as a Variant of Uncertain Significance. Algorithms developed to predict the effect of missense changes on protein structure and function (SIFT, PolyPhen-2, Align-GVGD) all suggest that this variant is likely to be disruptive. This variant has not been reported in the literature in individuals affected with PRPF31-related conditions. This variant is not present in population databases (gnomAD no frequency).

NM_015629.4(PRPF31):c.1004C>T (p.Pro335Leu)

Gene: PRPF31 (pre-mRNA processing factor 31; plus strand). Cytogenetic location: 19q13.42.
Variant type: single nucleotide variant.
Coding change: c.1004C>T on transcript NM_015629.4 (MANE Select); coding-DNA position 1004, C replaced by T.
Protein change: p.Pro335Leu; replaces proline 335 with leucine.
Molecular consequence: missense variant.
Genome position (GRCh38, 1-based): chr19:54,128,131, C>T. VCF-style: chr19-54128131-C-T. GRCh37 (hg19) VCF-style: chr19-54631506-C-T.
Other names: short protein forms P335L.
Identifiers: ClinVar variation 1502328 (VCV001502328.8), dbSNP rs1415051331, ClinGen allele CA407753112.